The following is an entry in ClinVar:

NM_172364.5(CACNA2D4):c.2008+4G>A

Gene: CACNA2D4 (calcium voltage-gated channel auxiliary subunit alpha2delta 4; minus strand). Cytogenetic location: 12p13.33.
Variant type: single nucleotide variant.
Coding change: c.2008+4G>A on transcript NM_172364.5 (MANE Select); 4 bases into the intron after coding-DNA position 2008, G replaced by A.
Molecular consequence: intron variant.
Genome position (GRCh38, 1-based): chr12:1,858,573, C>T on the plus strand (G>A on the coding strand, the complement: CACNA2D4 is on the minus strand). VCF-style: chr12-1858573-C-T. GRCh37 (hg19) VCF-style: chr12-1967739-C-T.
Identifiers: ClinVar variation 859371 (VCV000859371.10), dbSNP rs1435126449, ClinGen allele CA602673358.
Genomic context (GRCh38, chr12:1,858,573, plus strand): 5'-CAGTGTCCCATGAGAGCCCATTATTTTCTGCTTAACTGTCCCTCAGCCCCTGGTACCGAC[C>T]CACCTTCTTCCACAGACGTGTTCCCCAGAAGGATGTATTCTCCGTGGCCCCGGGACAGCA-3'

ClinVar aggregate classification (germline): Conflicting classifications of pathogenicity. Review status: criteria provided, conflicting classifications (1 of 4 stars). 2 submissions from 2 submitters: Uncertain significance (1); Likely benign (1). Last evaluated 2024-10-21.

Allele frequency attached by ClinVar (database versions not stated): gnomAD exomes 0.00001 and 0.00002; gnomAD 0.00003 and 0.00004; TOPMed 0.00004.
gnomAD v4.1: 19 of 1,613,444 alleles (0.0012%); highest among the groups gnomAD compares: African/African-American, 0.015%; no homozygotes.

Submissions (2):

Labcorp Genetics (formerly Invitae), Labcorp
Classification: Uncertain significance. Last evaluated: 2024-10-21. Review status: criteria provided, single submitter. Criteria: Invitae Variant Classification Sherloc (09022015). Collection method: clinical testing. Allele origin: germline.
Comment: This sequence change falls in intron 20 of the CACNA2D4 gene. It does not directly change the encoded amino acid sequence of the CACNA2D4 protein. It affects a nucleotide within the consensus splice site. This variant is present in population databases (no rsID available, gnomAD 0.009%). This variant has not been reported in the literature in individuals affected with CACNA2D4-related conditions. ClinVar contains an entry for this variant (Variation ID: 859371). Variants that disrupt the consensus splice site are a relatively common cause of aberrant splicing (PMID: 17576681, 9536098). Algorithms developed to predict the effect of sequence changes on RNA splicing suggest that this variant is not likely to affect RNA splicing. In summary, the available evidence is currently insufficient to determine the role of this variant in disease. Therefore, it has been classified as a Variant of Uncertain Significance.

Blueprint Genetics
Classification: Likely benign. Last evaluated: 2022-02-03. Review status: criteria provided, single submitter. Criteria: ACMG Guidelines, 2015. Collection method: clinical testing. Allele origin: germline.

Literature cited by the submitters: PubMed 17576681 (cited by Labcorp Genetics (formerly Invitae), Labcorp); PubMed 9536098 (cited by Labcorp Genetics (formerly Invitae), Labcorp).